The following is an entry in ClinVar:

ClinVar aggregate classification (germline): Conflicting classifications of pathogenicity. Review status: criteria provided, conflicting classifications (1 of 4 stars). 5 submissions from 5 submitters: Pathogenic (2); Uncertain significance (3). Last evaluated 2026-09-17.

Conditions:
Episodic kinesigenic dyskinesia (EKD). Also called: Paroxysmal kinesigenic dyskinesia. Identifiers: Orphanet 98809, MedGen C1868682, MONDO:0044202.
Seizures, benign familial infantile, 2 (BFIS2). Also called: CONVULSIONS, BENIGN FAMILIAL INFANTILE, 2. Identifiers: Orphanet 306, MedGen C1853995, MONDO:0011593, OMIM 605751.

Allele frequency attached by ClinVar (database versions not stated): TOPMed below 0.00001; ExAC 0.00001; gnomAD 0.00001.

Submissions (5):

GeneDx
Classification: Uncertain significance. Last evaluated: 2026-09-17. Review status: criteria provided, single submitter. Criteria: GeneDx Variant Classification Process June 2021. Collection method: clinical testing. Allele origin: germline.
Comment: Functional studies show cells transfected with variant expression construct do not alter protein abundance or localization (PMID: 31124310, 30980674); Not observed at significant frequency in large population cohorts (gnomAD); In silico analysis supports that this missense variant has a deleterious effect on protein structure/function; This variant is associated with the following publications: (PMID: 30392205, 23077024, 30980674, 30198221, 22209761, 34489640, 22989765, 22895590, 31124310, 34649875, 25595153, 41998443, 42104137)

Labcorp Genetics (formerly Invitae), Labcorp
Classification: Pathogenic for Episodic kinesigenic dyskinesia. Last evaluated: 2025-07-28. Review status: criteria provided, single submitter. Criteria: Invitae Variant Classification Sherloc (09022015). Collection method: clinical testing. Allele origin: germline.
Comment: This sequence change replaces glycine, which is neutral and non-polar, with arginine, which is basic and polar, at codon 305 of the PRRT2 protein (p.Gly305Arg). This variant is present in population databases (rs767799831, gnomAD 0.0009%). This missense change has been observed in individuals with PRRT2-related conditions (PMID: 22209761, 22895590, 30198221, 30392205). It has also been observed to segregate with disease in related individuals. ClinVar contains an entry for this variant (Variation ID: 499732). Invitae Evidence Modeling of protein sequence and biophysical properties (such as structural, functional, and spatial information, amino acid conservation, physicochemical variation, residue mobility, and thermodynamic stability) indicates that this missense variant is expected to disrupt PRRT2 protein function with a positive predictive value of 95%. Experimental studies have shown that this missense change does not substantially affect PRRT2 function (PMID: 30980674, 31124310). This variant disrupts the p.Gly305 amino acid residue in PRRT2. Other variant(s) that disrupt this residue have been observed in individuals with PRRT2-related conditions (PMID: 23077024), which suggests that this may be a clinically significant amino acid residue. For these reasons, this variant has been classified as Pathogenic.

Dasa
Classification: Pathogenic. Last evaluated: 2024-08-14. Review status: criteria provided, single submitter. Criteria: DASA Assertion Criteria. Collection method: clinical testing. Allele origin: germline.
Comment: NM_145239.3(PRRT2):c.913G>A (p.Gly305Arg) is a missense variant that results in the substitution of glycine with arginine. The affected residue or protein region has prior evidence supporting clinical relevance. Segregation evidence has been reported in affected families. This variant has been observed in affected individuals with related phenotype in a genotype context consistent with recessive disease (PMID: 23077024; PMID: 22895590; PMID: 31193310). Functional evidence supports a deleterious effect on the gene or gene product (PMID: 23077024; PMID: 22895590; PMID: 31193310). This variant has been recurrently observed in individuals with related phenotype (PMID: 23077024; PMID: 22895590; PMID: 31193310). Multiple computational predictions support a deleterious effect on the gene or gene product. The variant is present at low frequency in population datasets. Based on the available data, this variant is classified as pathogenic.

Institute of Human Genetics, University of Leipzig Medical Center
Classification: Uncertain significance for Seizures, benign familial infantile, 2. Last evaluated: 2019-01-01. Review status: criteria provided, single submitter. Criteria: ACMG Guidelines, 2015. Collection method: clinical testing. Allele origin: unknown. Affected: yes.

Eurofins Ntd Llc (ga)
Classification: Uncertain significance. Last evaluated: 2017-02-17. Review status: criteria provided, single submitter. Criteria: EGL Classification Definitions 2015. Collection method: clinical testing. Allele origin: germline. Observed: 1 variant allele, 1 heterozygote.

Literature cited by the submitters: PubMed 22209761 (cited by Labcorp Genetics (formerly Invitae), Labcorp and Eurofins Ntd Llc (ga)); PubMed 22895590 (cited by Labcorp Genetics (formerly Invitae), Labcorp and Dasa); PubMed 30198221 (cited by Labcorp Genetics (formerly Invitae), Labcorp); PubMed 30392205 (cited by Labcorp Genetics (formerly Invitae), Labcorp); PubMed 30980674 (cited by Labcorp Genetics (formerly Invitae), Labcorp); PubMed 31124310 (cited by Labcorp Genetics (formerly Invitae), Labcorp); PubMed 23077024 (cited by Labcorp Genetics (formerly Invitae), Labcorp and Dasa); PubMed 31193310 (cited by Dasa).

NM_145239.3(PRRT2):c.913G>A (p.Gly305Arg)

Genes: MVP-DT (MVP divergent transcript; minus strand), PRRT2 (proline rich transmembrane protein 2; plus strand). Cytogenetic location: 16p11.2.
Variant type: single nucleotide variant.
Coding change: c.913G>A on transcript NM_145239.3 (MANE Select); coding-DNA position 913, G replaced by A.
Protein change: p.Gly305Arg; replaces glycine 305 with arginine.
Molecular consequence: missense variant. On other transcripts: 3 prime UTR variant (1).
Genome position (GRCh38, 1-based): chr16:29,814,366, G>A. VCF-style: chr16-29814366-G-A. GRCh37 (hg19) VCF-style: chr16-29825687-G-A.
Other names: c.913G>A, p.Gly305Arg (NM_001256442.2); c.*412G>A (NM_001256443.2); short protein forms G305R.
Identifiers: ClinVar variation 499732 (VCV000499732.18), dbSNP rs767799831, ClinGen allele CA7994625.
Genomic context (GRCh38, chr16:29,814,366, plus strand): 5'-TGCCTCCACCCCTCGCCCTAACCCCAGTCCCGGAACAGCCTGCAGCAGGGGGACGTGGAC[G>A]GGGCCCAGCGTCTGGGCCGGGTAGCCAAGCTCTTAAGCATCGTGGCGCTGGTGGGGGGAG-3'
Protein context (NP_660282.2, residues 295-315): RNSLQQGDVD[Gly305Arg]AQRLGRVAKL